The following is an entry in ClinVar:

NM_001001548.3(CD36):c.939C>A (p.Cys313Ter)

Gene: CD36 (CD36 molecule (CD36 blood group); plus strand). Cytogenetic location: 7q21.11.
Variant type: single nucleotide variant.
Coding change: c.939C>A on transcript NM_001001548.3 (MANE Select); coding-DNA position 939, C replaced by A.
Protein change: p.Cys313Ter; replaces cysteine 313 with a stop codon.
Molecular consequence: nonsense.
Genome position (GRCh38, 1-based): chr7:80,671,097, C>A. VCF-style: chr7-80671097-C-A. GRCh37 (hg19) VCF-style: chr7-80300413-C-A.
Other names: c.939C>A, p.Cys313Ter (NM_000072.3, NM_001001547.3, NM_001127443.2 and 5 more transcripts); c.822C>A, p.Cys274Ter (NM_001289908.1); c.759C>A, p.Cys253Ter (NM_001289909.1); c.711C>A, p.Cys237Ter (NM_001289911.2); c.837C>A, p.Cys279Ter (NM_001371079.1); c.474C>A, p.Cys158Ter (NM_001371080.1, NM_001371081.1); short protein forms C158*, C237*, C253*, C274*, C279*, C313*.
Identifiers: ClinVar variation 3353009 (VCV003353009.2).

ClinVar aggregate classification (germline): Likely pathogenic. Review status: criteria provided, single submitter (1 of 4 stars). 2 submissions from 2 submitters: Likely pathogenic (1). 1 of the submissions does not count toward it. Last evaluated 2023-12-29.

Conditions:
CD36-related disorder. Also called: CD36-related condition; CD36-related disorders.

gnomAD v4.1: 39 of 1,612,578 alleles (0.0024%); highest among the groups gnomAD compares: Middle Eastern, 0.15%; no homozygotes.

Submissions (2):

Blueprint Genetics
Classification: Likely pathogenic for CD36-related disorders. Last evaluated: 2023-12-29. Review status: criteria provided, single submitter. Criteria: ACMG Guidelines, 2015. Collection method: clinical testing. Allele origin: germline. Affected: yes. Observed: 5 variant alleles.

PreventionGenetics, part of Exact Sciences
Classification: Likely pathogenic for CD36-related condition. Last evaluated: 2024-05-30. Review status: no assertion criteria provided. Collection method: clinical testing. Allele origin: germline. Not counted in ClinVar's aggregate classification.
Comment: The CD36 c.939C>A variant is predicted to result in premature protein termination (p.Cys313*). This variant was reported in an individual with CD36 deficiency (Hou et al. 2020. PubMed ID: 31980526. Supplementary data). This variant is reported in 0.0098% of alleles in individuals of South Asian descent in gnomAD. Nonsense variants in CD36 are expected to be pathogenic. This variant is interpreted as likely pathogenic.